The following is an entry in ClinVar:

ClinVar aggregate classification (germline): Uncertain significance (1 of 4 stars; one submission).

Conditions:
Koolen-de Vries syndrome (KDVS). Identifiers: Orphanet 96169, MedGen C1864871, MONDO:0012496, OMIM 610443.

Allele frequency attached by ClinVar (database versions not stated): gnomAD 0.00001 and 0.00002; gnomAD exomes 0.00001; TOPMed 0.00001; 1000 Genomes Project 30x 0.00031.
gnomAD v4.1: 11 of 1,613,980 alleles (0.00068%); highest among the groups gnomAD compares: East Asian, 0.0022%; no homozygotes.

Submission:

Labcorp Genetics (formerly Invitae), Labcorp
Classification: Uncertain significance for Koolen-de Vries syndrome. Last evaluated: 2022-03-20. Review status: criteria provided, single submitter. Criteria: Invitae Variant Classification Sherloc (09022015). Collection method: clinical testing. Allele origin: germline.
Comment: In summary, the available evidence is currently insufficient to determine the role of this variant in disease. Therefore, it has been classified as a Variant of Uncertain Significance. Algorithms developed to predict the effect of missense changes on protein structure and function output the following: SIFT: "Tolerated"; PolyPhen-2: "Benign"; Align-GVGD: "Class C0". The threonine amino acid residue is found in multiple mammalian species, which suggests that this missense change does not adversely affect protein function. ClinVar contains an entry for this variant (Variation ID: 536303). This variant has not been reported in the literature in individuals affected with KANSL1-related conditions. This variant is present in population databases (no rsID available, gnomAD 0.0009%). This sequence change replaces alanine, which is neutral and non-polar, with threonine, which is neutral and polar, at codon 836 of the KANSL1 protein (p.Ala836Thr).

NM_015443.4(KANSL1):c.2506G>A (p.Ala836Thr)

Gene: KANSL1 (KAT8 regulatory NSL complex subunit 1). Cytogenetic location: 17q21.31.
Variant type: single nucleotide variant.
Coding change: c.2506G>A on transcript NM_015443.4 (MANE Select); coding-DNA position 2506, G replaced by A.
Protein change: p.Ala836Thr; replaces alanine 836 with threonine.
Molecular consequence: missense variant.
Genome position (GRCh38, 1-based): chr17:46,038,573, C>T on the plus strand (G>A on the coding strand, the complement: KANSL1 is on the minus strand). VCF-style: chr17-46038573-C-T. GRCh37 (hg19) VCF-style: chr17-44115939-C-T.
Other names: c.2506G>A, p.Ala836Thr (NM_001193465.2, NM_001193466.2, NM_001379198.1); short protein forms A836T.
Identifiers: ClinVar variation 536303 (VCV000536303.9), dbSNP rs935626079, ClinGen allele CA291108144.